The following is an entry in ClinVar:

ClinVar aggregate classification (germline): Uncertain significance (1 of 4 stars; one submission).

Submission:

Dasa
Classification: Uncertain significance. Last evaluated: 2025-06-28. Review status: criteria provided, single submitter. Criteria: DASA Assertion Criteria. Collection method: clinical testing. Allele origin: germline.
Comment: NM_020937.4(FANCM):c.1785A>C (p.Glu595Asp) is a missense variant that results in the substitution of glutamic acid with aspartic acid. This variant is absent from population databases. Computational prediction algorithms are consistent with a benign effect. The currently available literature and clinical evidence are not sufficient to establish a definitive association between this variant and the reported condition. Therefore, this variant is classified as a variant of uncertain significance.

NM_020937.4(FANCM):c.1785A>C (p.Glu595Asp)

Gene: FANCM (FA complementation group M; plus strand). Cytogenetic location: 14q21.2.
Variant type: single nucleotide variant.
Coding change: c.1785A>C on transcript NM_020937.4 (MANE Select); coding-DNA position 1785, A replaced by C.
Protein change: p.Glu595Asp; replaces glutamic acid 595 with aspartic acid.
Molecular consequence: missense variant.
Genome position (GRCh38, 1-based): chr14:45,164,562, A>C. VCF-style: chr14-45164562-A-C. GRCh37 (hg19) VCF-style: chr14-45633765-A-C.
Other names: c.1707A>C, p.Glu569Asp (NM_001308133.2); c.1785A>C, p.Glu595Asp (NM_001308134.2); short protein forms E569D, E595D.
Identifiers: ClinVar variation 4882951 (VCV004882951.2).